The following is an entry in ClinVar:

ClinVar aggregate classification (germline): Pathogenic. Review status: criteria provided, multiple submitters, no conflicts (2 of 4 stars). 4 submissions from 4 submitters: Pathogenic (2). 2 of the submissions do not count toward it. Last evaluated 2024-08-01.

Conditions:
Retinal dystrophy. Also called: Inherited retinal dystrophy. Identifiers: Orphanet 71862, MedGen C0854723, MeSH D058499, MONDO:0019118, HP:0000556.
Bardet-Biedl syndrome 2 (BBS2). Identifiers: Orphanet 110, MedGen C2936863, MONDO:0014432, OMIM 615981.
Bardet-Biedl syndrome (BBS). Identifiers: Orphanet 110, MedGen C0752166, MONDO:0015229.

Submissions (4):

Natera, Inc.
Classification: Pathogenic for Bardet-Biedl syndrome type 2. Last evaluated: 2024-08-01. Review status: criteria provided, single submitter. Criteria: Natera Variant Classification Schema (03/2026). Collection method: clinical testing. Allele origin: germline.
Comment: The c.941-2A>C variant in BBS2 is a canonical splice acceptor site variant predicted to affect pre-mRNA splicing, which may result in an abnormal transcript and altered protein product. This variant is expected to result in nonsense mediated decay, truncation, or a dysfunctional protein product. This variant is rare in the general population with a frequency below the threshold expected for the associated phenotype(s). Another variant at this same site results in an alteration predicted to cause a similar molecular effect has been observed in individual(s) with the associated phenotype. Given the available evidence, this variant is classified as Pathogenic.

Labcorp Genetics (formerly Invitae), Labcorp
Classification: Pathogenic for Bardet-Biedl syndrome. Last evaluated: 2022-10-28. Review status: criteria provided, single submitter. Criteria: Invitae Variant Classification Sherloc (09022015). Collection method: clinical testing. Allele origin: germline.
Comment: For these reasons, this variant has been classified as Pathogenic. Algorithms developed to predict the effect of sequence changes on RNA splicing suggest that this variant may disrupt the consensus splice site. ClinVar contains an entry for this variant (Variation ID: 558443). Disruption of this splice site has been observed in individual(s) with retinitis pigmentosa (PMID: 30902645). In at least one individual the data is consistent with being in trans (on the opposite chromosome) from a pathogenic variant. This variant is not present in population databases (gnomAD no frequency). This sequence change affects an acceptor splice site in intron 8 of the BBS2 gene. It is expected to disrupt RNA splicing. Variants that disrupt the donor or acceptor splice site typically lead to a loss of protein function (PMID: 16199547), and loss-of-function variants in BBS2 are known to be pathogenic (PMID: 11285252, 20177705, 24608809, 26518167).

Institute of Human Genetics, Univ. Regensburg, Univ. Regensburg
Classification: Pathogenic for Retinal dystrophy. Last evaluated: 2021-01-01. Review status: no assertion criteria provided. Criteria: ACMG Guidelines, 2015. Collection method: clinical testing. Allele origin: germline. Affected: yes. Not counted in ClinVar's aggregate classification.

Counsyl
Classification: Likely pathogenic for Bardet-Biedl syndrome 2. Last evaluated: 2018-05-22. Review status: no assertion criteria provided. Collection method: clinical testing. Allele origin: unknown. Not counted in ClinVar's aggregate classification.

Literature cited by the submitters: PubMed 30902645 (cited by Labcorp Genetics (formerly Invitae), Labcorp); PubMed 16199547 (cited by Labcorp Genetics (formerly Invitae), Labcorp); PubMed 11285252 (cited by Labcorp Genetics (formerly Invitae), Labcorp); PubMed 20177705 (cited by Labcorp Genetics (formerly Invitae), Labcorp); PubMed 24608809 (cited by Labcorp Genetics (formerly Invitae), Labcorp); PubMed 26518167 (cited by Labcorp Genetics (formerly Invitae), Labcorp).

NM_031885.5(BBS2):c.941-2A>C

Gene: BBS2 (Bardet-Biedl syndrome 2; minus strand). Cytogenetic location: 16q13.
Variant type: single nucleotide variant.
Coding change: c.941-2A>C on transcript NM_031885.5 (MANE Select); the canonical splice acceptor site of the intron before coding-DNA position 941, A replaced by C.
Molecular consequence: splice acceptor variant.
Genome position (GRCh38, 1-based): chr16:56,502,458, T>G on the plus strand (A>C on the coding strand, the complement: BBS2 is on the minus strand). VCF-style: chr16-56502458-T-G. GRCh37 (hg19) VCF-style: chr16-56536370-T-G.
Other names: c.941-2A>C (NM_001377456.1).
Identifiers: ClinVar variation 558443 (VCV000558443.12), dbSNP rs878962682, ClinGen allele CA395980939.